The following is an entry in ClinVar:

NM_145290.4(ADGRA3):c.2135_2137del (p.Gln712_Gly713delinsArg)

Gene: ADGRA3 (adhesion G protein-coupled receptor A3; minus strand). Cytogenetic location: 4p15.2.
Variant type: Deletion.
Coding change: c.2135_2137del on transcript NM_145290.4 (MANE Select); coding-DNA positions 2135 to 2137, 3 bases deleted (AAG; older notation c.2135_2137delAAG).
Protein change: p.Gln712_Gly713delinsArg.
Molecular consequence: inframe indel.
Genome position (GRCh38, 1-based): chr4:22,413,277-22,413,279, CTT deleted on the plus strand (AAG on the coding strand, the reverse complement: ADGRA3 is on the minus strand). VCF-style (leftmost placement, unchanged base first): chr4-22413276-CCTT-C. GRCh37 (hg19) VCF-style: chr4-22414899-CCTT-C.
Identifiers: ClinVar variation 4714073 (VCV004714073.1).

ClinVar aggregate classification (germline): Uncertain significance (1 of 4 stars; one submission).

Submission:

Labcorp Genetics (formerly Invitae), Labcorp
Classification: Uncertain significance. Last evaluated: 2025-02-27. Review status: criteria provided, single submitter. Criteria: Invitae Variant Classification Sherloc (09022015). Collection method: clinical testing. Allele origin: germline.
Comment: This variant, c.2135_2137del, is a complex sequence change that results in the deletion of 2 and insertion of 1 amino acid(s) in the ADGRA3 protein (p.Gln712_Gly713delinsArg). This variant is not present in population databases (gnomAD no frequency). This variant has not been reported in the literature in individuals affected with ADGRA3-related conditions. Experimental studies and prediction algorithms are not available or were not evaluated, and the functional significance of this variant is currently unknown. In summary, the available evidence is currently insufficient to determine the role of this variant in disease. Therefore, it has been classified as a Variant of Uncertain Significance.